The following is an entry in ClinVar:

NM_001367721.1(CASK):c.846C>A (p.Tyr282Ter)

Gene: CASK (calcium/calmodulin dependent serine protein kinase; minus strand). Cytogenetic location: Xp11.4.
Variant type: single nucleotide variant.
Coding change: c.846C>A on transcript NM_001367721.1 (MANE Select); coding-DNA position 846, C replaced by A.
Protein change: p.Tyr282Ter; replaces tyrosine 282 with a stop codon.
Molecular consequence: nonsense.
Genome position (GRCh38, 1-based): chrX:41,636,647, G>T on the plus strand (C>A on the coding strand, the complement: CASK is on the minus strand). VCF-style: chrX-41636647-G-T. GRCh37 (hg19) VCF-style: chrX-41495900-G-T.
Other names: c.846C>A, p.Tyr282Ter (NM_001126054.3, NM_001126055.3, NM_001410745.1 and 1 more transcripts); short protein forms Y282*.
Identifiers: ClinVar variation 489049 (VCV000489049.3), dbSNP rs886128077, ClinGen allele CA412994695.

ClinVar aggregate classification (germline): Pathogenic. Review status: criteria provided, multiple submitters, no conflicts (2 of 4 stars). 2 submissions from 2 submitters: Pathogenic (2). Last evaluated 2022-01-03.

Conditions:
Syndromic X-linked intellectual disability Najm type (MICPCH). Also called: MICPCH SYNDROME; Intellectual developmental disorder and microcephaly with pontine and cerebellar hypoplasia; Mental retardation and microcephaly with pontine and cerebellar hypoplasia; MENTAL RETARDATION, X-LINKED, SYNDROMIC, NAJM TYPE; Intellectual Disability and Microcephaly with Pontine and Cerebellar Hypoplasia; Intellectual Disability and Microcephaly with Pontine and Cerebellar Hypoplasia (MICPCH). Identifiers: Orphanet 163937, MedGen C2677903, MONDO:0010417, OMIM 300749.

Submissions (2):

3billion
Classification: Pathogenic for Syndromic X-linked intellectual disability Najm type. Last evaluated: 2022-01-03. Review status: criteria provided, single submitter. Criteria: ACMG Guidelines, 2015. Collection method: clinical testing. Allele origin: germline. Affected: yes. Observed: 1 heterozygote.
Comment: Stop-gained (nonsense): predicted to result in a loss or disruption of normal protein function through nonsense-mediated decay (NMD) or protein truncation. Multiple pathogenic variants are reported downstream of the variant (PVS1_VS). It is not observed in the gnomAD v2.1.1 dataset (PM2_M). The variant has been reported to be associated with CASK related disorder (ClinVar ID: VCV000489049). Therefore, this variant is classified as pathogenic according to the recommendation of ACMG/AMP guideline.

GeneDx
Classification: Pathogenic. Last evaluated: 2017-09-01. Review status: criteria provided, single submitter. Criteria: GeneDx Variant Classification (06012015). Collection method: clinical testing. Allele origin: germline. Affected: yes.
Comment: The Y282X nonsense variant in the CASK gene is predicted to cause loss of normal protein function either through protein truncation or nonsense-mediated mRNA decay. Furthermore, the Y282X variant is not observed in large population cohorts (Lek et al., 2016; 1000 Genomes Consortium et al., 2015; Exome Variant Server). Although this pathogenic variant has not been reported previously to our knowledge, its presence is consistent with a diagnosis of CASK-related disorder